The following is an entry in ClinVar:

ClinVar aggregate classification (germline): Uncertain significance (1 of 4 stars; one submission).

Submission:

Labcorp Genetics (formerly Invitae), Labcorp
Classification: Uncertain significance. Last evaluated: 2021-11-10. Review status: criteria provided, single submitter. Criteria: Invitae Variant Classification Sherloc (09022015). Collection method: clinical testing. Allele origin: germline.
Comment: In summary, the available evidence is currently insufficient to determine the role of this variant in disease. Therefore, it has been classified as a Variant of Uncertain Significance. Algorithms developed to predict the effect of missense changes on protein structure and function are either unavailable or do not agree on the potential impact of this missense change (SIFT: "Deleterious"; PolyPhen-2: "Probably Damaging"; Align-GVGD: "Class C15"). This variant has not been reported in the literature in individuals affected with FSCN2-related conditions. This variant is not present in population databases (gnomAD no frequency). This sequence change replaces glycine, which is neutral and non-polar, with aspartic acid, which is acidic and polar, at codon 495 of the FSCN2 protein (p.Gly495Asp).

NM_012418.4(FSCN2):c.1412G>A (p.Gly471Asp)

Gene: FSCN2 (fascin actin-bundling protein 2, retinal; plus strand). Cytogenetic location: 17q25.3.
Variant type: single nucleotide variant.
Coding change: c.1412G>A on transcript NM_012418.4 (MANE Select); coding-DNA position 1412, G replaced by A.
Protein change: p.Gly471Asp; replaces glycine 471 with aspartic acid.
Molecular consequence: missense variant.
Genome position (GRCh38, 1-based): chr17:81,537,013, G>A. VCF-style: chr17-81537013-G-A. GRCh37 (hg19) VCF-style: chr17-79504039-G-A.
Other names: c.1484G>A, p.Gly495Asp (NM_001077182.3); short protein forms G471D, G495D.
Identifiers: ClinVar variation 1350604 (VCV001350604.6), dbSNP rs2143909607, ClinGen allele CA401478924.
Genomic context (GRCh38, chr17:81,537,013, plus strand): 5'-TCGAGTTCCGTGAGCGCGGCCGCCTGGCCATCCGCGCCCGGAGCGGCAAGTACCTGCGCG[G>A]CGGCGCCTCGGGCCTGCTGCGGGCCGATGCCGACGCCCCGGCCGGGACCGCGCTTTGGGA-3'
Protein context (NP_036550.1, residues 461-481): IRARSGKYLR[Gly471Asp]GASGLLRADA